The following is an entry in ClinVar:

NM_004646.4(NPHS1):c.1908_1909insGAGAGGAGGTCGCGGCGCCGGAGGCCCCAGAAGGGTCGACGGCGCCGCGGGCTGGGGTCGGTGGCTTAGGGAGCCCNNNNNNNNNNAAAAAAAAAAAAAAAAAAAAGAAACCGTGAGCTCC (p.Phe637delinsGluArgArgSerArgArgArgArgProGlnLysGlyArgArgArgArgGlyLeuGlySerValAlaTer)

Gene: NPHS1 (NPHS1 adhesion molecule, nephrin; minus strand). Cytogenetic location: 19q13.12.
Variant type: Insertion.
Coding change: c.1908_1909insGAGAGGAGGTCGCGGCGCCGGAGGCCCCAGAAGGGTCGACGGCGCCGCGGGCTGGGGTCGGTGGCTTAGGGAGCCCNNNNNNNNNNAAAAAAAAAAAAAAAAAAAAGAAACCGTGAGCTCC on transcript NM_004646.4 (MANE Select); coding-DNA positions 1908 to 1909, GAGAGGAGGTCGCGGCGCCGGAGGCCCCAGAAGGGTCGACGGCGCCGCGGGCTGGGGTCGGTGGCTTAGGGAGCCCNNNNNNNNNNAAAAAAAAAAAAAAAAAAAAGAAACCGTGAGCTCC inserted.
Protein change: p.Phe637delinsGluArgArgSerArgArgArgArgProGlnLysGlyArgArgArgArgGlyLeuGlySerValAlaTer.
Molecular consequence: nonsense.
Genome position: GRCh38: chr19:35,845,404-35,845,405. GRCh37 (hg19): chr19:36,336,306-36,336,307.
Identifiers: ClinVar variation 1432288 (VCV001432288.6), dbSNP rs2146823207.

ClinVar aggregate classification (germline): Pathogenic (1 of 4 stars; one submission).

Submission:

Labcorp Genetics (formerly Invitae), Labcorp
Classification: Pathogenic. Last evaluated: 2023-01-05. Review status: criteria provided, single submitter. Criteria: Invitae Variant Classification Sherloc (09022015). Collection method: clinical testing. Allele origin: germline.
Comment: For these reasons, this variant has been classified as Pathogenic. Retrotransposon insertions including LINE1 (L1), Alu, and SVA (SINE-VNTR-Alu) have been reported to be disease-causing through disruption of either a coding region or splice site (PMID: 19763152, 20307669, 22406018) and loss-of-function variants in NPHS1 are known to be pathogenic (PMID: 11317351, 11854170, 12039988). Algorithms developed to predict the effect of sequence changes on RNA splicing suggest that this variant may disrupt the consensus splice site. ClinVar contains an entry for this variant (Variation ID: 1432288). This variant has not been reported in the literature in individuals affected with NPHS1-related conditions. This variant is not present in population databases (gnomAD no frequency). This sequence change inserts a large fragment of DNA, likely a transposable element, in exon 14 of the NPHS1 gene (c.1908_1909ins?), causing a frameshift at codon 637 (p.Phe637fs). The exact size and sequence of the insertion cannot be determined by the current assay. However, the insertion is expected to result in an absent or disrupted protein product.

Literature cited by the submitters: PubMed 19763152; PubMed 20307669; PubMed 22406018; PubMed 11317351; PubMed 11854170; PubMed 12039988.